The following is an entry in ClinVar:

NM_020778.5(ALPK3):c.2536G>A (p.Gly846Arg)

Gene: ALPK3 (alpha kinase 3; plus strand). Cytogenetic location: 15q25.3.
Variant type: single nucleotide variant.
Coding change: c.2536G>A on transcript NM_020778.5 (MANE Select); coding-DNA position 2536, G replaced by A.
Protein change: p.Gly846Arg; replaces glycine 846 with arginine.
Molecular consequence: missense variant.
Genome position (GRCh38, 1-based): chr15:84,857,274, G>A. VCF-style: chr15-84857274-G-A. GRCh37 (hg19) VCF-style: chr15-85400505-G-A.
Other names: short protein forms G846R.
Identifiers: ClinVar variation 1728107 (VCV001728107.8), dbSNP rs202153052, ClinGen allele CA7709441.
Genomic context (GRCh38, chr15:84,857,274, plus strand): 5'-CCAGTCGAGGCCAAGCAGGAGGACAGCCCGTTCCAGTGCCCCAAGGAGGAGCGGCCAGGG[G>A]GAGTGCCGTGTATGGATCAGGGTGGCTGTCCTCTAGCTGGCCTGAGCCAGGAGGTACCCA-3'
Protein context (NP_065829.4, residues 836-856): FQCPKEERPG[Gly846Arg]VPCMDQGGCP

ClinVar aggregate classification (germline): Uncertain significance. Review status: criteria provided, multiple submitters, no conflicts (2 of 4 stars). 2 submissions from 2 submitters: Uncertain significance (2). Last evaluated 2025-10-03.

Conditions:
Cardiovascular phenotype. Identifiers: MedGen CN230736.

Allele frequency attached by ClinVar (database versions not stated): 1000 Genomes Project 30x 0.00016; 1000 Genomes Project 0.00020.
gnomAD v4.1: 19 of 1,614,090 alleles (0.0012%); highest among the groups gnomAD compares: East Asian, 0.036%; no homozygotes.

Submissions (2):

Labcorp Genetics (formerly Invitae), Labcorp
Classification: Uncertain significance. Last evaluated: 2025-10-03. Review status: criteria provided, single submitter. Criteria: Invitae Variant Classification Sherloc (09022015). Collection method: clinical testing. Allele origin: germline.
Comment: This sequence change replaces glycine, which is neutral and non-polar, with arginine, which is basic and polar, at codon 1048 of the ALPK3 protein (p.Gly1048Arg). This variant is present in population databases (rs202153052, gnomAD 0.09%). This variant has not been reported in the literature in individuals affected with ALPK3-related conditions. ClinVar contains an entry for this variant (Variation ID: 1728107). Invitae Evidence Modeling of protein sequence and biophysical properties (such as structural, functional, and spatial information, amino acid conservation, physicochemical variation, residue mobility, and thermodynamic stability) indicates that this missense variant is not expected to disrupt ALPK3 protein function with a negative predictive value of 80%. In summary, the available evidence is currently insufficient to determine the role of this variant in disease. Therefore, it has been classified as a Variant of Uncertain Significance.

Ambry Genetics
Classification: Uncertain significance for Cardiovascular phenotype. Last evaluated: 2024-06-14. Review status: criteria provided, single submitter. Criteria: Ambry Variant Classification Scheme 2023. Collection method: clinical testing. Allele origin: germline.
Comment: The p.G1048R variant (also known as c.3142G>A), located in coding exon 6 of the ALPK3 gene, results from a G to A substitution at nucleotide position 3142. The glycine at codon 1048 is replaced by arginine, an amino acid with dissimilar properties. This amino acid position is poorly conserved in available vertebrate species. In addition, this alteration is predicted to be tolerated by in silico analysis. Since supporting evidence is limited at this time, the clinical significance of this alteration remains unclear.